The following is an entry in ClinVar:

ClinVar aggregate classification (germline): Uncertain significance (1 of 4 stars; one submission).

Conditions:
Inborn genetic diseases. Identifiers: MedGen C0950123, MeSH D030342.

Submission:

Ambry Genetics
Classification: Uncertain significance for Inborn genetic diseases. Last evaluated: 2022-06-21. Review status: criteria provided, single submitter. Criteria: Ambry Variant Classification Scheme 2023. Collection method: clinical testing. Allele origin: germline.
Comment: The c.1074_1076delCTT (p.L359del) alteration is located in exon 2 (coding exon 1) of the NEUROD2 gene. This alteration consists of an in-frame deletion of 3 nucleotides between nucleotide positions c.1074 and c.1076, resulting in the deletion of <NA> residues. Based on insufficient or conflicting evidence, the clinical significance of this alteration remains unclear.

NM_006160.4(NEUROD2):c.1074_1076del (p.Leu359del)

Gene: NEUROD2 (neuronal differentiation 2; minus strand). Cytogenetic location: 17q12.
Variant type: Deletion.
Coding change: c.1074_1076del on transcript NM_006160.4 (MANE Select); coding-DNA positions 1074 to 1076, 3 bases deleted (CTT; older notation c.1074_1076delCTT).
Protein change: p.Leu359del; deletes leucine 359.
Molecular consequence: inframe deletion.
Genome position (GRCh38, 1-based): chr17:39,605,524-39,605,526, AAG deleted on the plus strand (CTT on the coding strand, the reverse complement: NEUROD2 is on the minus strand); deleting any 3 consecutive bases within chr17:39,605,524-39,605,527 gives the same sequence; the c. name uses the placement nearest the transcript's 3' end. VCF-style (leftmost placement, unchanged base first): chr17-39605523-CAAG-C. GRCh37 (hg19) VCF-style: chr17-37761776-CAAG-C.
Other names: short protein forms L359del.
Identifiers: ClinVar variation 2289621 (VCV002289621.2), dbSNP rs2545857747, ClinGen allele CA2580093654.